The following is an entry in ClinVar:

NC_000012.12:g.121626887C>A

Genes: ORAI1 (ORAI calcium release-activated calcium modulator 1; plus strand), LOC130008987 (ATAC-STARR-seq lymphoblastoid silent region 4981; plus strand). Cytogenetic location: 12q24.31.
Variant type: single nucleotide variant.
Genome position: GRCh38 VCF-style: chr12-121626887-C-A. GRCh37 (hg19) VCF-style: chr12-122064793-C-A.
Other names: c.140C>A, p.Pro47Gln (NM_032790.4); short protein forms P47Q.
Identifiers: ClinVar variation 1993160 (VCV001993160.3), dbSNP rs781855511, ClinGen allele CA386980819.

ClinVar aggregate classification (germline): Uncertain significance (1 of 4 stars; one submission).

Conditions:
Myopathy, tubular aggregate, 2 (TAM2). Identifiers: MedGen C4014557, MONDO:0014383, OMIM 615883.
Combined immunodeficiency due to ORAI1 deficiency. Also called: IMMUNODEFICIENCY 9. Identifiers: Orphanet 169090, Orphanet 317428, MedGen C2748568, MONDO:0013007, OMIM 612782.

Allele frequency attached by ClinVar (database versions not stated): gnomAD 0.00001.

Submission:

Labcorp Genetics (formerly Invitae), Labcorp
Classification: Uncertain significance for Myopathy, tubular aggregate, 2; Combined immunodeficiency due to ORAI1 deficiency. Last evaluated: 2024-04-10. Review status: criteria provided, single submitter. Criteria: Invitae Variant Classification Sherloc (09022015). Collection method: clinical testing. Allele origin: germline.
Comment: This sequence change replaces proline, which is neutral and non-polar, with glutamine, which is neutral and polar, at codon 47 of the ORAI1 protein (p.Pro47Gln). This variant is not present in population databases (gnomAD no frequency). This variant has not been reported in the literature in individuals affected with ORAI1-related conditions. ClinVar contains an entry for this variant (Variation ID: 1993160). Experimental studies and prediction algorithms are not available or were not evaluated, and the functional significance of this variant is currently unknown. In summary, the available evidence is currently insufficient to determine the role of this variant in disease. Therefore, it has been classified as a Variant of Uncertain Significance.